The following is an entry in ClinVar:

ClinVar aggregate classification (germline): Uncertain significance (1 of 4 stars; one submission).

Conditions:
Emery-Dreifuss muscular dystrophy 5, autosomal dominant (EDMD5). Also called: EMERY-DREIFUSS MUSCULAR DYSTROPHY 5. Identifiers: Orphanet 261, MedGen C2751805, MONDO:0013072, OMIM 612999.

Submission:

Labcorp Genetics (formerly Invitae), Labcorp
Classification: Uncertain significance for Emery-Dreifuss muscular dystrophy 5, autosomal dominant. Last evaluated: 2024-07-22. Review status: criteria provided, single submitter. Criteria: Invitae Variant Classification Sherloc (09022015). Collection method: clinical testing. Allele origin: germline.
Comment: This sequence change replaces leucine, which is neutral and non-polar, with valine, which is neutral and non-polar, at codon 6544 of the SYNE2 protein (p.Leu6544Val). This variant is not present in population databases (gnomAD no frequency). This variant has not been reported in the literature in individuals affected with SYNE2-related conditions. An algorithm developed to predict the effect of missense changes on protein structure and function (PolyPhen-2) suggests that this variant is likely to be disruptive. In summary, the available evidence is currently insufficient to determine the role of this variant in disease. Therefore, it has been classified as a Variant of Uncertain Significance.

NM_182914.3(SYNE2):c.19630C>G (p.Leu6544Val)

Gene: SYNE2 (spectrin repeat containing nuclear envelope protein 2; plus strand). Cytogenetic location: 14q23.2.
Variant type: single nucleotide variant.
Coding change: c.19630C>G on transcript NM_182914.3 (MANE Select); coding-DNA position 19630, C replaced by G.
Protein change: p.Leu6544Val; replaces leucine 6544 with valine.
Molecular consequence: missense variant.
Genome position (GRCh38, 1-based): chr14:64,218,485, C>G. VCF-style: chr14-64218485-C-G. GRCh37 (hg19) VCF-style: chr14-64685203-C-G.
Other names: c.19561C>G, p.Leu6521Val (NM_015180.6); c.154C>G, p.Leu52Val (NM_182910.2); c.532C>G, p.Leu178Val (NM_182913.4); short protein forms L52V, L6521V, L178V, L6544V.
Identifiers: ClinVar variation 2873873 (VCV002873873.3), dbSNP rs968707802, ClinGen allele CA261830661.